The following is an entry in ClinVar:

ClinVar aggregate classification (germline): Pathogenic (1 of 4 stars; one submission).

Conditions:
Arterial tortuosity syndrome (ATORS). Identifiers: Orphanet 3342, MedGen C1859726, MONDO:0008818, OMIM 208050.

Submission:

Labcorp Genetics (formerly Invitae), Labcorp
Classification: Pathogenic for Arterial tortuosity syndrome. Last evaluated: 2023-03-04. Review status: criteria provided, single submitter. Criteria: Invitae Variant Classification Sherloc (09022015). Collection method: clinical testing. Allele origin: germline.
Comment: For these reasons, this variant has been classified as Pathogenic. This variant disrupts a region of the SLC2A10 protein in which other variant(s) (p.Gly489Arg) have been determined to be pathogenic (PMID: 25373504, 29323665). This suggests that this is a clinically significant region of the protein, and that variants that disrupt it are likely to be disease-causing. This variant has not been reported in the literature in individuals affected with SLC2A10-related conditions. This variant is a gross deletion of the genomic region encompassing exon(s) 4 of the SLC2A10 gene. While this deletion is not anticipated to lead to nonsense mediated decay, it is expected to disrupt the C-terminus of the protein.

Literature cited by the submitters: PubMed 25373504; PubMed 29323665.

NC_000020.10:g.(?_45357972)_(45358147_?)del

Gene: SLC2A10 (solute carrier family 2 member 10; plus strand). Cytogenetic location: 20q13.12.
Variant type: Deletion.
Identifiers: ClinVar variation 2426942 (VCV002426942.6).